The following is an entry in ClinVar:

NM_001170629.2(CHD8):c.6947del (p.Pro2316fs)

Genes: CHD8 (chromodomain helicase DNA binding protein 8; minus strand), LOC126861888 (CDK7 strongly-dependent group 2 enhancer GRCh37_chr14:21859227-21860426; plus strand). Cytogenetic location: 14q11.2.
Variant type: Deletion.
Coding change: c.6947del on transcript NM_001170629.2 (MANE Select); coding-DNA position 6947, one base deleted (C; older notation c.6947delC).
Protein change: p.Pro2316fs; shifts the reading frame from proline 2316.
Molecular consequence: frameshift variant.
Genome position (GRCh38, 1-based): chr14:21,391,581, G deleted on the plus strand (C on the coding strand, the reverse complement: CHD8 is on the minus strand); the first of 3 consecutive G bases (chr14:21,391,581-21,391,583); deleting any one gives the same sequence. VCF-style (leftmost placement, unchanged base first): chr14-21391580-AG-A. GRCh37 (hg19) VCF-style: chr14-21859739-AG-A.
Other names: c.6110del, p.Pro2037fs (NM_020920.4); c.6947delC (NM_001170629.1); short protein forms P2037fs, P2316fs.
Identifiers: ClinVar variation 423861 (VCV000423861.2), dbSNP rs1064796666, ClinGen allele CA16619832.

ClinVar aggregate classification (germline): Likely pathogenic (1 of 4 stars; one submission).

Submission:

GeneDx
Classification: Likely pathogenic. Last evaluated: 2017-02-17. Review status: criteria provided, single submitter. Criteria: GeneDx Variant Classification (06012015). Collection method: clinical testing. Allele origin: germline. Affected: yes.
Comment: The c.6947delC variant in the CHD8 gene has not been reported previously as a pathogenic variant nor as a benign variant, to our knowledge. The c.6947delC variant causes a frameshift starting with codon Proline 2316, changes this amino acid to a Leucine residue, and creates a premature Stop codon at position 39 of the new reading frame, denoted p.Pro2316LeufsX39. This variant is predicted to cause loss of normal protein function through protein truncation. The c.6947delC variant is not observed in large population cohorts (Lek et al., 2016; 1000 Genomes Consortium et al., 2015; Exome Variant Server). We interpret c.6947delC as a likely pathogenic variant.